The following is an entry in ClinVar:

NM_001942.4(DSG1):c.1002del (p.Lys335fs)

Gene: DSG1 (desmoglein 1; plus strand). Cytogenetic location: 18q12.1.
Variant type: Deletion.
Coding change: c.1002del on transcript NM_001942.4 (MANE Select); coding-DNA position 1002, one base deleted (T; older notation c.1002delT).
Protein change: p.Lys335fs; shifts the reading frame from lysine 335.
Molecular consequence: frameshift variant.
Genome position (GRCh38, 1-based): chr18:31,334,199, T deleted; the last of 2 consecutive T bases (chr18:31,334,198-31,334,199); deleting either gives the same sequence. VCF-style (leftmost placement, unchanged base first): chr18-31334197-GT-G. GRCh37 (hg19) VCF-style: chr18-28914160-GT-G.
Other names: short protein forms K335fs.
Identifiers: ClinVar variation 2135846 (VCV002135846.4), dbSNP rs2511047532, ClinGen allele CA2580095573.

ClinVar aggregate classification (germline): Pathogenic (1 of 4 stars; one submission).

Submission:

Labcorp Genetics (formerly Invitae), Labcorp
Classification: Pathogenic. Last evaluated: 2022-05-09. Review status: criteria provided, single submitter. Criteria: Invitae Variant Classification Sherloc (09022015). Collection method: clinical testing. Allele origin: germline.
Comment: This sequence change creates a premature translational stop signal (p.Lys335Serfs*3) in the DSG1 gene. It is expected to result in an absent or disrupted protein product. Loss-of-function variants in DSG1 are known to be pathogenic (PMID: 19018793, 23974871, 27534273). This variant is not present in population databases (gnomAD no frequency). This variant has not been reported in the literature in individuals affected with DSG1-related conditions. For these reasons, this variant has been classified as Pathogenic.

Literature cited by the submitters: PubMed 19018793; PubMed 23974871; PubMed 27534273.